The following is an entry in ClinVar:

NM_000138.5(FBN1):c.8332C>T (p.Leu2778=)

Gene: FBN1 (fibrillin 1; minus strand). Cytogenetic location: 15q21.1.
Variant type: single nucleotide variant.
Coding change: c.8332C>T on transcript NM_000138.5 (MANE Select); coding-DNA position 8332, C replaced by T.
Protein change: p.Leu2778=; no amino-acid change (leucine 2778 retained).
Molecular consequence: synonymous variant.
Genome position (GRCh38, 1-based): chr15:48,411,274, G>A on the plus strand (C>T on the coding strand, the complement: FBN1 is on the minus strand). VCF-style: chr15-48411274-G-A. GRCh37 (hg19) VCF-style: chr15-48703471-G-A.
Other names: c.8332C>T, p.Leu2778= (NM_001406716.1).
Identifiers: ClinVar variation 3071353 (VCV003071353.2), dbSNP rs1448317732, ClinGen allele CA490118989.

ClinVar aggregate classification (germline): Likely benign. Review status: criteria provided, multiple submitters, no conflicts (2 of 4 stars). 2 submissions from 2 submitters: Likely benign (2). Last evaluated 2025-01-31.

Conditions:
Marfan syndrome (MFS). Also called: MARFAN SYNDROME, TYPE I; Marfan syndrome type 1; Marfan's syndrome; Marfan syndrome, classic; FBN1-Related Marfan Syndrome. Identifiers: Orphanet 284963, Orphanet 558, MedGen C0024796, MONDO:0007947, OMIM 154700.
Familial thoracic aortic aneurysm and aortic dissection (TAAD). Also called: Thoracic aortic aneurysms and dissections. Identifiers: Orphanet 91387, MedGen C4707243, MONDO:0019625.

Allele frequency attached by ClinVar (database versions not stated): gnomAD exomes below 0.00001; TOPMed 0.00001; gnomAD 0.00001.
gnomAD v4.1: 5 of 1,613,952 alleles (0.00031%); highest among the groups gnomAD compares: Non-Finnish European, 0.00042%; no homozygotes.

Submissions (2):

Ambry Genetics
Classification: Likely benign for Familial thoracic aortic aneurysm and aortic dissection. Last evaluated: 2025-01-31. Review status: criteria provided, single submitter. Criteria: Ambry Variant Classification Scheme 2023. Collection method: clinical testing. Allele origin: germline.

All of Us Research Program, National Institutes of Health
Classification: Likely benign for Marfan syndrome. Last evaluated: 2023-12-01. Review status: criteria provided, single submitter. Criteria: ACMG Guidelines, 2015. Collection method: clinical testing. Allele origin: germline. Inheritance: Autosomal dominant inheritance. Observed: 2 variant alleles, 2 heterozygotes.
Comment: This study involves interpretation of variants in research participants for the purpose of population health screening. Participant phenotype was not available at the time of variant classification. Additional details can be found in publication PMID: 35346344, PMCID: PMC8962531